The following is an entry in ClinVar:

NM_004168.4(SDHA):c.1242C>T (p.Pro414=)

Gene: SDHA (succinate dehydrogenase complex flavoprotein subunit A; plus strand). Cytogenetic location: 5p15.33.
Variant type: single nucleotide variant.
Coding change: c.1242C>T on transcript NM_004168.4 (MANE Select); coding-DNA position 1242, C replaced by T.
Protein change: p.Pro414=; no amino-acid change (proline 414 retained).
Molecular consequence: synonymous variant.
Genome position (GRCh38, 1-based): chr5:235,321, C>T. VCF-style: chr5-235321-C-T. GRCh37 (hg19) VCF-style: chr5-235436-C-T.
Other names: c.1098C>T, p.Pro366= (NM_001294332.2); c.1242C>T, p.Pro414= (NM_001330758.2).
Identifiers: ClinVar variation 239641 (VCV000239641.44), dbSNP rs777306884, ClinGen allele CA3173147.

ClinVar aggregate classification (germline): Conflicting classifications of pathogenicity. Review status: criteria provided, conflicting classifications (1 of 4 stars). 8 submissions from 8 submitters: Uncertain significance (1); Benign (1); Likely benign (6). Last evaluated 2026-01-19.

Conditions:
Pheochromocytoma/paraganglioma syndrome 5. Also called: Paragangliomas 5; SDHA-Related Hereditary Paraganglioma-Pheochromocytoma Syndrome. Identifiers: Orphanet 29072, MedGen C3279992, MONDO:0013602, OMIM 614165.
Mitochondrial complex II deficiency, nuclear type 1. Also called: SUCCINATE CoQ REDUCTASE DEFICIENCY. Identifiers: Orphanet 3208, MedGen C5700310, MONDO:0100294, OMIM 252011.
Hereditary cancer-predisposing syndrome. Also called: Tumor predisposition; Hereditary Cancer Syndrome; Neoplastic Syndromes, Hereditary; Hereditary neoplastic syndrome. Identifiers: Orphanet 140162, MedGen C0027672, MeSH D009386, MONDO:0015356.

Allele frequency attached by ClinVar (database versions not stated): gnomAD 0.00001; ExAC 0.00002; gnomAD exomes 0.00002 and 0.00005; TOPMed 0.00003.
gnomAD v4.1: 74 of 1,614,102 alleles (0.0046%); highest among the groups gnomAD compares: Non-Finnish European, 0.0061%; no homozygotes.

Submissions (8):

Labcorp Genetics (formerly Invitae), Labcorp
Classification: Likely benign for Pheochromocytoma/paraganglioma syndrome 5; Mitochondrial complex II deficiency, nuclear type 1. Last evaluated: 2026-01-19. Review status: criteria provided, single submitter. Criteria: Invitae Variant Classification Sherloc (09022015). Collection method: clinical testing. Allele origin: germline.

Myriad Genetics, Inc.
Classification: Benign for Pheochromocytoma/paraganglioma syndrome 5. Last evaluated: 2025-03-10. Review status: criteria provided, single submitter. Criteria: Myriad Autosomal Dominant, Autosomal Recessive and X-Linked Classification Criteria (2023). Collection method: clinical testing. Allele origin: unknown.
Comment: This variant is considered benign. This variant is a silent/synonymous amino acid change and it is not expected to impact splicing.

Blueprint Genetics
Classification: Likely benign. Last evaluated: 2024-05-17. Review status: criteria provided, single submitter. Criteria: ACMG Guidelines, 2015. Collection method: clinical testing. Allele origin: germline.

Quest Diagnostics Nichols Institute San Juan Capistrano
Classification: Uncertain significance. Last evaluated: 2023-07-20. Review status: criteria provided, single submitter. Criteria: Quest Diagnostics criteria. Collection method: clinical testing. Allele origin: unknown.
Comment: To the best of our knowledge, this variant has not been reported in the published literature. The frequency of this variant in the general population, 0.000044 (5/113712 chromosomes (Genome Aggregation Database)), is uninformative in the assessment of its pathogenicity. Analysis of this variant using software algorithms for the prediction of the effect of nucleotide changes on splicing yielded predictions that this variant does not affect SDHA mRNA splicing . Based on the available information, we are unable to determine the clinical significance of this variant.

CeGaT Center for Human Genetics Tuebingen
Classification: Likely benign. Last evaluated: 2022-12-01. Review status: criteria provided, single submitter. Criteria: CeGaT Center For Human Genetics Tuebingen Variant Classification Criteria Version 2. Collection method: clinical testing. Allele origin: germline. Affected: yes. Observed: 1 variant allele.
Comment: SDHA: BP4, BP7

Sema4
Classification: Likely benign for Hereditary cancer-predisposing syndrome. Last evaluated: 2022-02-15. Review status: criteria provided, single submitter. Criteria: Sema4 Curation Guidelines. Collection method: curation. Allele origin: germline.

Ambry Genetics
Classification: Likely benign for Hereditary cancer-predisposing syndrome. Last evaluated: 2019-10-15. Review status: criteria provided, single submitter. Criteria: Ambry Variant Classification Scheme 2023. Collection method: clinical testing. Allele origin: germline.

Mendelics
Classification: Likely benign for Mitochondrial complex II deficiency, nuclear type 1. Last evaluated: 2019-05-28. Review status: criteria provided, single submitter. Criteria: Mendelics Assertion Criteria 2017. Collection method: clinical testing. Allele origin: unknown.